The following is an entry in ClinVar:

NM_003336.4(UBE2A):c.124G>C (p.Gly42Arg)

Gene: UBE2A (ubiquitin conjugating enzyme E2 A; plus strand). Cytogenetic location: Xq24.
Variant type: single nucleotide variant.
Coding change: c.124G>C on transcript NM_003336.4 (MANE Select); coding-DNA position 124, G replaced by C.
Protein change: p.Gly42Arg; replaces glycine 42 with arginine.
Molecular consequence: missense variant.
Genome position (GRCh38, 1-based): chrX:119,574,980, G>C. VCF-style: chrX-119574980-G-C. GRCh37 (hg19) VCF-style: chrX-118708943-G-C.
Other names: c.25G>C, p.Gly9Arg (NM_001282161.2); c.124G>C, p.Gly42Arg (NM_181762.3); short protein forms G42R, G9R.
Identifiers: ClinVar variation 1307697 (VCV001307697.2), dbSNP rs2147373367, ClinGen allele CA414374221.

ClinVar aggregate classification (germline): Uncertain significance (1 of 4 stars; one submission).

Submission:

GeneDx
Classification: Uncertain significance. Last evaluated: 2019-08-13. Review status: criteria provided, single submitter. Criteria: GeneDx Variant Classification Process June 2021. Collection method: clinical testing. Allele origin: germline. Affected: yes.
Comment: Not observed in large population cohorts (Lek et al., 2016); In silico analysis, which includes protein predictors and evolutionary conservation, supports a deleterious effect; Has not been previously published as pathogenic or benign to our knowledge